The following is an entry in ClinVar:

NM_000744.7(CHRNA4):c.1372C>T (p.Pro458Ser)

Gene: CHRNA4 (cholinergic receptor nicotinic alpha 4 subunit; minus strand). Cytogenetic location: 20q13.33.
Variant type: single nucleotide variant.
Coding change: c.1372C>T on transcript NM_000744.7 (MANE Select); coding-DNA position 1372, C replaced by T.
Protein change: p.Pro458Ser; replaces proline 458 with serine.
Molecular consequence: missense variant. On other transcripts: non-coding transcript variant (1).
Genome position (GRCh38, 1-based): chr20:63,350,039, G>A on the plus strand (C>T on the coding strand, the complement: CHRNA4 is on the minus strand). VCF-style: chr20-63350039-G-A. GRCh37 (hg19) VCF-style: chr20-61981391-G-A.
Other names: c.844C>T, p.Pro282Ser (NM_001256573.2); short protein forms P282S, P458S.
Identifiers: ClinVar variation 2804674 (VCV002804674.3), dbSNP rs2516538507, ClinGen allele CA409633768.

ClinVar aggregate classification (germline): Uncertain significance (1 of 4 stars; one submission).

Conditions:
Familial sleep-related hypermotor epilepsy. Also called: Autosomal Dominant Sleep-Related Hypermotor (Hyperkinetic) Epilepsy. Identifiers: Orphanet 98784, MedGen C3696898, MONDO:0000030.

Submission:

Labcorp Genetics (formerly Invitae), Labcorp
Classification: Uncertain significance. Last evaluated: 2025-05-19. Review status: criteria provided, single submitter. Criteria: Invitae Variant Classification Sherloc (09022015). Collection method: clinical testing. Allele origin: germline.
Comment: This sequence change replaces proline, which is neutral and non-polar, with serine, which is neutral and polar, at codon 458 of the CHRNA4 protein (p.Pro458Ser). This variant is not present in population databases (gnomAD no frequency). This variant has not been reported in the literature in individuals affected with CHRNA4-related conditions. ClinVar contains an entry for this variant (Variation ID: 2804674). Invitae Evidence Modeling of protein sequence and biophysical properties (such as structural, functional, and spatial information, amino acid conservation, physicochemical variation, residue mobility, and thermodynamic stability) indicates that this missense variant is not expected to disrupt CHRNA4 protein function with a negative predictive value of 80%. In summary, the available evidence is currently insufficient to determine the role of this variant in disease. Therefore, it has been classified as a Variant of Uncertain Significance.